The following is an entry in ClinVar:

GRCh38/hg38 22q11.21(chr22:18177786-21101267)x3

Genes: AIFM3 (AIF family member 3; plus strand), ARVCF (ARVCF delta catenin family member; minus strand), C22orf39 (chromosome 22 open reading frame 39; minus strand), CCDC188 (coiled-coil domain containing 188; minus strand), CDC45 (cell division cycle 45; plus strand) and 186 more. Cytogenetic location: 22q11.21.
Variant type: copy number gain.
Change: copy number 3 (three copies instead of two) of chr22:18,177,786-21,101,267 (2.92 Mb, GRCh38 coordinates, 1-based), cytogenetic band 22q11.21.
Identifiers: ClinVar variation 57557 (VCV000057557.3).

ClinVar aggregate classification (germline): Pathogenic (1 of 4 stars; one submission).

Submission:

ISCA Site 6
Classification: Pathogenic. Last evaluated: 2011-08-12. Review status: criteria provided, single submitter. Criteria: Kaminsky et al. (Genet Med. 2011). Collection method: clinical testing. Allele origin: unknown. Affected: yes. Observed: 1 variant allele.
Comment: Copy number variation identified through the course of routine clinical cytogenomic testing in postnatal populations. Clinical assertions have been curated as described in Kaminsky et al. 2011.